The following is an entry in ClinVar:

ClinVar aggregate classification (germline): Uncertain significance (1 of 4 stars; one submission).

Conditions:
Gnathodiaphyseal dysplasia (GDD). Also called: GNATHODIAPHYSEAL SCLEROSIS; OSTEOGENESIS IMPERFECTA WITH UNUSUAL SKELETAL LESIONS. Identifiers: Orphanet 53697, MedGen C1833736, MONDO:0008151, OMIM 166260.
Autosomal recessive limb-girdle muscular dystrophy type 2L (LGMDR12). Also called: Limb-girdle muscular dystrophy, type 2L; MUSCULAR DYSTROPHY, LIMB-GIRDLE, AUTOSOMAL RECESSIVE 12; Limb-Girdle Muscular Dystrophy R12 Anoctamin-5-Related (LGMD-R12). Identifiers: Orphanet 206549, MedGen C1969785, MONDO:0012652, OMIM 611307.

Submission:

Labcorp Genetics (formerly Invitae), Labcorp
Classification: Uncertain significance for Autosomal recessive limb-girdle muscular dystrophy type 2L; Gnathodiaphyseal dysplasia. Last evaluated: 2025-04-29. Review status: criteria provided, single submitter. Criteria: Invitae Variant Classification Sherloc (09022015). Collection method: clinical testing. Allele origin: germline.
Comment: This sequence change replaces phenylalanine, which is neutral and non-polar, with isoleucine, which is neutral and non-polar, at codon 531 of the ANO5 protein (p.Phe531Ile). This variant is not present in population databases (gnomAD no frequency). This variant has not been reported in the literature in individuals affected with ANO5-related conditions. Invitae Evidence Modeling of protein sequence and biophysical properties (such as structural, functional, and spatial information, amino acid conservation, physicochemical variation, residue mobility, and thermodynamic stability) has been performed for this missense variant. However, the output from this modeling did not meet the statistical confidence thresholds required to predict the impact of this variant on ANO5 protein function. In summary, the available evidence is currently insufficient to determine the role of this variant in disease. Therefore, it has been classified as a Variant of Uncertain Significance.

NM_213599.3(ANO5):c.1591T>A (p.Phe531Ile)

Gene: ANO5 (anoctamin 5; plus strand). Cytogenetic location: 11p14.3.
Variant type: single nucleotide variant.
Coding change: c.1591T>A on transcript NM_213599.3 (MANE Select); coding-DNA position 1591, T replaced by A.
Protein change: p.Phe531Ile; replaces phenylalanine 531 with isoleucine.
Molecular consequence: missense variant. On other transcripts: intron variant (3).
Genome position (GRCh38, 1-based): chr11:22,259,702, T>A. VCF-style: chr11-22259702-T-A. GRCh37 (hg19) VCF-style: chr11-22281248-T-A.
Other names: c.1588T>A, p.Phe530Ile (NM_001142649.2); c.1549T>A, p.Phe517Ile (NM_001410963.1); c.1546T>A, p.Phe516Ile (NM_001410964.1); c.1513T>A, p.Phe505Ile (NM_001441294.1); c.1510T>A, p.Phe504Ile (NM_001441295.1); c.1498T>A, p.Phe500Ile (NM_001441296.1); c.1471T>A, p.Phe491Ile (NM_001441297.1); c.1435T>A, p.Phe479Ile (NM_001441298.1); and 4 more; short protein forms F517I, F530I, F478I, F504I, F491I, F505I, F516I, F531I.
Identifiers: ClinVar variation 4794092 (VCV004794092.1).
Genomic context (GRCh38, chr11:22,259,702, plus strand): 5'-CAGATAACCACATCACTCACAGGATCATGCTTGAACTTTATTGTCATCTTGATCTTGAAT[T>A]TCTTTTATGAAAAGATATCTGCCTGGATCACAAAAATGGGTAAGCTGGCCAAATCATTTG-3'
Protein context (NP_998764.1, residues 521-541): LNFIVILILN[Phe531Ile]FYEKISAWIT